The following is an entry in ClinVar:

ClinVar aggregate classification (germline): Conflicting classifications of pathogenicity. Review status: criteria provided, conflicting classifications (1 of 4 stars). 4 submissions from 4 submitters: Uncertain significance (2); Likely benign (2). Last evaluated 2025-11-19.

Conditions:
Bethlem myopathy 1A. Also called: MYOPATHY, BENIGN CONGENITAL, WITH CONTRACTURES; Bethlem myopathy 1; Bethlem Muscular Dystrophy. Identifiers: Orphanet 610, MedGen CN029274, MONDO:0024530, OMIM 158810.
Inborn genetic diseases. Identifiers: MedGen C0950123, MeSH D030342.

Allele frequency attached by ClinVar (database versions not stated): gnomAD exomes 0.00002 and 0.00009; ExAC 0.00003; TOPMed 0.00005; gnomAD 0.00007 and 0.00008.
gnomAD v4.1: 158 of 1,609,476 alleles (0.0098%); highest among the groups gnomAD compares: Non-Finnish European, 0.011%; no homozygotes.

Submissions (4):

Labcorp Genetics (formerly Invitae), Labcorp
Classification: Likely benign for Bethlem myopathy 1A. Last evaluated: 2025-11-19. Review status: criteria provided, single submitter. Criteria: Invitae Variant Classification Sherloc (09022015). Collection method: clinical testing. Allele origin: germline.

GeneDx
Classification: Uncertain significance. Last evaluated: 2025-11-13. Review status: criteria provided, single submitter. Criteria: GeneDx Variant Classification Process June 2021. Collection method: clinical testing. Allele origin: germline.
Comment: In silico analysis suggests that this missense variant does not alter protein structure/function; Has not been previously published as pathogenic or benign to our knowledge

Blueprint Genetics
Classification: Uncertain significance. Last evaluated: 2023-06-09. Review status: criteria provided, single submitter. Criteria: ACMG Guidelines, 2015. Collection method: clinical testing. Allele origin: germline.

Ambry Genetics
Classification: Likely benign for Inborn genetic diseases. Last evaluated: 2023-02-22. Review status: criteria provided, single submitter. Criteria: Ambry Variant Classification Scheme 2023. Collection method: clinical testing. Allele origin: germline.

NM_001848.3(COL6A1):c.1160G>A (p.Ser387Asn)

Gene: COL6A1 (collagen type VI alpha 1 chain; plus strand). Cytogenetic location: 21q22.3.
Variant type: single nucleotide variant.
Coding change: c.1160G>A on transcript NM_001848.3 (MANE Select); coding-DNA position 1160, G replaced by A.
Protein change: p.Ser387Asn; replaces serine 387 with asparagine.
Molecular consequence: missense variant.
Genome position (GRCh38, 1-based): chr21:45,992,050, G>A. VCF-style: chr21-45992050-G-A. GRCh37 (hg19) VCF-style: chr21-47411964-G-A.
Other names: short protein forms S387N.
Identifiers: ClinVar variation 648452 (VCV000648452.13), dbSNP rs756884829, ClinGen allele CA10070122.